The following is an entry in ClinVar:

NM_032444.4(SLX4):c.2264del (p.Leu755fs)

Gene: SLX4 (SLX4 structure-specific endonuclease subunit; minus strand). Cytogenetic location: 16p13.3.
Variant type: Deletion.
Coding change: c.2264del on transcript NM_032444.4 (MANE Select); coding-DNA position 2264, one base deleted (T; older notation c.2264delT).
Protein change: p.Leu755fs; shifts the reading frame from leucine 755.
Molecular consequence: frameshift variant.
Genome position (GRCh38, 1-based): chr16:3,592,762, A deleted on the plus strand (T on the coding strand, the reverse complement: SLX4 is on the minus strand). VCF-style (leftmost placement, unchanged base first): chr16-3592761-GA-G. GRCh37 (hg19) VCF-style: chr16-3642762-GA-G.
Other names: short protein forms L755fs.
Identifiers: ClinVar variation 3651718 (VCV003651718.2).

ClinVar aggregate classification (germline): Pathogenic (1 of 4 stars; one submission).

Conditions:
Fanconi anemia (FA). Also called: Fanconi's anemia. Identifiers: Orphanet 84, MedGen C0015625, MeSH D005199, MONDO:0019391.

Submission:

Labcorp Genetics (formerly Invitae), Labcorp
Classification: Pathogenic for Fanconi anemia. Last evaluated: 2024-04-30. Review status: criteria provided, single submitter. Criteria: Invitae Variant Classification Sherloc (09022015). Collection method: clinical testing. Allele origin: germline.
Comment: This sequence change creates a premature translational stop signal (p.Leu755Profs*16) in the SLX4 gene. It is expected to result in an absent or disrupted protein product. Loss-of-function variants in SLX4 are known to be pathogenic (PMID: 21240277). This variant is not present in population databases (gnomAD no frequency). This variant has not been reported in the literature in individuals affected with SLX4-related conditions. For these reasons, this variant has been classified as Pathogenic.

Literature cited by the submitters: PubMed 21240277.